The following is an entry in ClinVar:

ClinVar aggregate classification (germline): Uncertain significance (1 of 4 stars; one submission).

gnomAD v4.1: 1 of 1,614,022 alleles (0.000062%); highest among the groups gnomAD compares: Non-Finnish European, 0.000085%; no homozygotes.

Submission:

Ambry Genetics
Classification: Uncertain significance. Last evaluated: 2025-06-29. Review status: criteria provided, single submitter. Criteria: Ambry Variant Classification Scheme 2023. Collection method: clinical testing. Allele origin: germline.
Comment: The p.W34S variant (also known as c.101G>C), located in coding exon 1 of the GEN1 gene, results from a G to C substitution at nucleotide position 101. The tryptophan at codon 34 is replaced by serine, an amino acid with highly dissimilar properties. This amino acid position is conserved. In addition, this alteration is predicted to be deleterious by in silico analysis. Based on the available evidence, the clinical significance of this variant remains unclear.

NM_001130009.3(GEN1):c.101G>C (p.Trp34Ser)

Gene: GEN1 (GEN1 Holliday junction 5' flap endonuclease; plus strand). Cytogenetic location: 2p24.2.
Variant type: single nucleotide variant.
Coding change: c.101G>C on transcript NM_001130009.3 (MANE Select); coding-DNA position 101, G replaced by C.
Protein change: p.Trp34Ser; replaces tryptophan 34 with serine.
Molecular consequence: missense variant.
Genome position (GRCh38, 1-based): chr2:17,760,044, G>C. VCF-style: chr2-17760044-G-C. GRCh37 (hg19) VCF-style: chr2-17941311-G-C.
Other names: c.101G>C, p.Trp34Ser (NM_182625.5); short protein forms W34S.
Identifiers: ClinVar variation 4263004 (VCV004263004.1).